The following is an entry in ClinVar:

ClinVar aggregate classification (germline): Conflicting classifications of pathogenicity. Review status: criteria provided, conflicting classifications (1 of 4 stars). 4 submissions from 4 submitters: Likely pathogenic (1); Uncertain significance (3). Last evaluated 2024-10-29.

Conditions:
Meckel syndrome 13 (MKS13). Identifiers: MedGen C4539714, MONDO:0033044, OMIM 617562.
Leukoencephalopathy with calcifications and cysts. Also called: LABRUNE SYNDROME; Leukoencephalopathy, brain calcifications, and cysts. Identifiers: Orphanet 542310, MedGen C3281200, MONDO:0013803, OMIM 614561.

Allele frequency attached by ClinVar (database versions not stated): 1000 Genomes Project 0.00141.
gnomAD v4.1: 708 of 762,672 alleles (0.093%); highest among the groups gnomAD compares: East Asian, 0.24%; 2 homozygotes.

Submissions (4):

Blueprint Genetics
Classification: Uncertain significance. Last evaluated: 2024-10-29. Review status: criteria provided, single submitter. Criteria: ACMG Guidelines, 2015. Collection method: clinical testing. Allele origin: germline.

GeneDx
Classification: Uncertain significance. Last evaluated: 2024-08-01. Review status: criteria provided, single submitter. Criteria: GeneDx Variant Classification Process June 2021. Collection method: clinical testing. Allele origin: germline. Affected: yes.
Comment: Observed with a second SNORD118 variant in patients with features of leukoencephalopathy, brain calcifications, and cysts in published literature, but it is unknown whether these patients were tested for variants in other genes associated with their clinical features (PMID: 27571260, 33029936); Located in the regulatory 5'UTR region of the SNORD118 non-coding RNA (PMID: 27571260); This variant is associated with the following publications: (PMID: 25668207, 27571260, 33029936, 34220662)

Department of Pathology and Laboratory Medicine, Sinai Health System
Classification: Uncertain significance for Meckel syndrome 13. Last evaluated: 2023-03-15. Review status: criteria provided, single submitter. Criteria: ACMG Guidelines, 2015. Collection method: research. Allele origin: germline.

Undiagnosed Diseases Network, NIH
Classification: Likely pathogenic for Leukoencephalopathy with calcifications and cysts. Last evaluated: 2020-01-30. Review status: criteria provided, single submitter. Criteria: ACMG Guidelines, 2015. Collection method: clinical testing. Allele origin: paternal. Inheritance: Autosomal recessive inheritance. Affected: yes. Observed: 1 variant allele, 1 compound heterozygote. Study: Undiagnosed Diseases Network (NIH), UDN.

NM_183065.4(TMEM107):c.*609G>A

Genes: SNORD118 (small nucleolar RNA, C/D box 118; minus strand), TMEM107 (transmembrane protein 107; minus strand). Cytogenetic location: 17p13.1.
Variant type: single nucleotide variant.
Coding change: c.*609G>A on transcript NM_183065.4 (MANE Select); 609 bases downstream of the stop codon, G replaced by A.
Molecular consequence: 3 prime UTR variant. On other transcripts: non-coding transcript variant (1).
Genome position (GRCh38, 1-based): chr17:8,173,594, C>T on the plus strand (G>A on the coding strand, the complement: TMEM107 is on the minus strand). VCF-style: chr17-8173594-C-T. GRCh37 (hg19) VCF-style: chr17-8076912-C-T.
Other names: c.*609G>A (NM_001351278.2, NM_001351279.2, NM_001351280.2 and 1 more transcripts).
Identifiers: ClinVar variation 974788 (VCV000974788.7), dbSNP rs200531412, ClinGen allele CA8370869.